The following is an entry in ClinVar:

NM_058216.3(RAD51C):c.534G>A (p.Gln178=)

Gene: RAD51C (RAD51 paralog C; plus strand). Cytogenetic location: 17q22.
Variant type: single nucleotide variant.
Coding change: c.534G>A on transcript NM_058216.3 (MANE Select); coding-DNA position 534, G replaced by A.
Protein change: p.Gln178=; no amino-acid change (glutamine 178 retained).
Molecular consequence: synonymous variant.
Genome position (GRCh38, 1-based): chr17:58,696,822, G>A. VCF-style: chr17-58696822-G-A. GRCh37 (hg19) VCF-style: chr17-56774183-G-A.
Identifiers: ClinVar variation 1746989 (VCV001746989.3), dbSNP rs1567788846, ClinGen allele CA501075052.

ClinVar aggregate classification (germline): Benign/Likely benign. Review status: criteria provided, multiple submitters, no conflicts (2 of 4 stars). 2 submissions from 2 submitters: Benign (1); Likely benign (1). Last evaluated 2025-02-18.

Conditions:
Hereditary cancer-predisposing syndrome. Also called: Hereditary Cancer Syndrome; Neoplastic Syndromes, Hereditary; Tumor predisposition; Hereditary neoplastic syndrome. Identifiers: Orphanet 140162, MedGen C0027672, MeSH D009386, MONDO:0015356.
Breast-ovarian cancer, familial, susceptibility to, 3. Also called: RAD51C-Related Breast/Ovarian Cancer. Identifiers: Orphanet 145, MedGen C3150659, MONDO:0013253, OMIM 613399.

Submissions (2):

Myriad Genetics, Inc.
Classification: Benign for Breast-ovarian cancer, familial, susceptibility to, 3. Last evaluated: 2025-02-18. Review status: criteria provided, single submitter. Criteria: Myriad Autosomal Dominant, Autosomal Recessive and X-Linked Classification Criteria (2023). Collection method: clinical testing. Allele origin: unknown.
Comment: This variant is considered benign. This variant is a silent/synonymous amino acid change and it is not expected to impact splicing.

Ambry Genetics
Classification: Likely benign for Hereditary cancer-predisposing syndrome. Last evaluated: 2019-12-04. Review status: criteria provided, single submitter. Criteria: Ambry Variant Classification Scheme 2023. Collection method: clinical testing. Allele origin: germline.